The following is an entry in ClinVar:

ClinVar aggregate classification (germline): Likely benign. Review status: criteria provided, single submitter (1 of 4 stars). 2 submissions from 2 submitters: Likely benign (1). 1 of the submissions does not count toward it. Last evaluated 2024-01-01.

Conditions:
NUMA1-related disorder. Also called: NUMA1-related condition.

Allele frequency attached by ClinVar (database versions not stated): 1000 Genomes Project 0.00200; 1000 Genomes Project 30x 0.00203; gnomAD 0.00399; ESP Exome Variant Server 0.00400; TOPMed 0.00409; ExAC 0.00418.
gnomAD v4.1: 8,889 of 1,614,136 alleles (0.55%); highest among the groups gnomAD compares: Non-Finnish European, 0.66%; 36 homozygotes.

Submissions (2):

CeGaT Center for Human Genetics Tuebingen
Classification: Likely benign. Last evaluated: 2024-01-01. Review status: criteria provided, single submitter. Criteria: CeGaT Center For Human Genetics Tuebingen Variant Classification Criteria Version 2. Collection method: clinical testing. Allele origin: germline. Affected: yes. Observed: 2 variant alleles.
Comment: NUMA1: BP4, BS2

PreventionGenetics, part of Exact Sciences
Classification: Likely benign for NUMA1-related condition. Last evaluated: 2019-04-30. Review status: no assertion criteria provided. Collection method: clinical testing. Allele origin: germline. Not counted in ClinVar's aggregate classification.
Comment: This variant is classified as likely benign based on ACMG/AMP sequence variant interpretation guidelines (Richards et al. 2015 PMID: 25741868, with internal and published modifications).

NM_006185.4(NUMA1):c.2752C>T (p.Arg918Cys)

Genes: NUMA1 (nuclear mitotic apparatus protein 1; minus strand), NUMA1-AS1 (NUMA1 antisense RNA 1; plus strand). Cytogenetic location: 11q13.4.
Variant type: single nucleotide variant.
Coding change: c.2752C>T on transcript NM_006185.4 (MANE Select); coding-DNA position 2752, C replaced by T.
Protein change: p.Arg918Cys; replaces arginine 918 with cysteine.
Molecular consequence: missense variant.
Genome position (GRCh38, 1-based): chr11:72,014,751, G>A on the plus strand (C>T on the coding strand, the complement: NUMA1 is on the minus strand). VCF-style: chr11-72014751-G-A. GRCh37 (hg19) VCF-style: chr11-71725797-G-A.
Other names: c.2752C>T, p.Arg918Cys (NM_001286561.2); short protein forms R918C.
Identifiers: ClinVar variation 2642113 (VCV002642113.25), dbSNP rs61756008, ClinGen allele CA6167411.